The following is an entry in ClinVar:

ClinVar aggregate classification (germline): Uncertain significance (1 of 4 stars; one submission).

Submission:

Labcorp Genetics (formerly Invitae), Labcorp
Classification: Uncertain significance. Last evaluated: 2024-06-26. Review status: criteria provided, single submitter. Criteria: Invitae Variant Classification Sherloc (09022015). Collection method: clinical testing. Allele origin: germline.
Comment: This sequence change replaces phenylalanine, which is neutral and non-polar, with isoleucine, which is neutral and non-polar, at codon 81 of the A4GALT protein (p.Phe81Ile). This variant is not present in population databases (gnomAD no frequency). This variant has not been reported in the literature in individuals affected with A4GALT-related conditions. An algorithm developed to predict the effect of missense changes on protein structure and function (PolyPhen-2) suggests that this variant is likely to be disruptive. In summary, the available evidence is currently insufficient to determine the role of this variant in disease. Therefore, it has been classified as a Variant of Uncertain Significance.

NM_017436.7(A4GALT):c.241T>A (p.Phe81Ile)

Gene: A4GALT (alpha 1,4-galactosyltransferase (P1PK blood group); minus strand). Cytogenetic location: 22q13.2.
Variant type: single nucleotide variant.
Coding change: c.241T>A on transcript NM_017436.7 (MANE Select); coding-DNA position 241, T replaced by A.
Protein change: p.Phe81Ile; replaces phenylalanine 81 with isoleucine.
Molecular consequence: missense variant.
Genome position (GRCh38, 1-based): chr22:42,693,711, A>T on the plus strand (T>A on the coding strand, the complement: A4GALT is on the minus strand). VCF-style: chr22-42693711-A-T. GRCh37 (hg19) VCF-style: chr22-43089717-A-T.
Other names: c.241T>A, p.Phe81Ile (NM_001318038.3); short protein forms F81I.
Identifiers: ClinVar variation 3656284 (VCV003656284.2).